The following is an entry in ClinVar:

NM_000275.3(OCA2):c.2432+1G>A

Gene: OCA2 (OCA2 melanosomal transmembrane protein; minus strand). Cytogenetic location: 15q13.1.
Variant type: single nucleotide variant.
Coding change: c.2432+1G>A on transcript NM_000275.3 (MANE Select); the canonical splice donor site of the intron after coding-DNA position 2432, G replaced by A.
Molecular consequence: splice donor variant.
Genome position (GRCh38, 1-based): chr15:27,844,958, C>T on the plus strand (G>A on the coding strand, the complement: OCA2 is on the minus strand). VCF-style: chr15-27844958-C-T. GRCh37 (hg19) VCF-style: chr15-28090104-C-T.
Other names: c.2360+1G>A (NM_001300984.2).
Identifiers: ClinVar variation 2691714 (VCV002691714.1), dbSNP rs1389984924, ClinGen allele CA391358205.

ClinVar aggregate classification (germline): Likely pathogenic (1 of 4 stars; one submission).

Conditions:
Oculocutaneous albinism. Identifiers: Orphanet 55, MedGen C0078918, MONDO:0018910.

Submission:

Women's Health and Genetics/Laboratory Corporation of America, LabCorp
Classification: Likely pathogenic for Oculocutaneous albinism. Last evaluated: 2023-12-15. Review status: criteria provided, single submitter. Criteria: LabCorp Variant Classification Summary - May 2015. Collection method: clinical testing. Allele origin: germline.
Comment: Variant summary: OCA2 c.2432+1G>A is located in a canonical splice-site and is predicted to affect mRNA splicing resulting in a significantly altered protein due to either exon skipping, shortening, or inclusion of intronic material. Several computational tools predict a significant impact on normal splicing: Three predict the variant abolishes a 5' splicing donor site. However, these predictions have yet to be confirmed by functional studies. The variant was absent in 251360 control chromosomes. c.2432+1G>A has been reported in the literature in individuals affected with Oculocutaneous Albinism in the compound heterozgyous state (Wei_2022, Wattanasirichaigoon_2008). These data indicate that the variant may be associated with disease. To our knowledge, no experimental evidence demonstrating an impact on protein function has been reported. Other variants in the last exon have been reported in association with Albinism, oculocutaneous in the HGMD database. No submitters have cited clinical-significance assessments for this variant to ClinVar after 2014. Based on the evidence outlined above, the variant was classified as likely pathogenic.

Literature cited by the submitters: PubMed 29345414; PubMed 34838614; PubMed 18036783.